The following is an entry in ClinVar:

NM_000264.5(PTCH1):c.351dup (p.Ala118fs)

Gene: PTCH1 (patched 1; minus strand). Cytogenetic location: 9q22.32.
Variant type: Duplication.
Coding change: c.351dup on transcript NM_000264.5 (MANE Select); coding-DNA position 351, one base duplicated (A; older notation c.351dupA).
Protein change: p.Ala118fs; shifts the reading frame from alanine 118.
Molecular consequence: frameshift variant. On other transcripts: 5 prime UTR variant (4), non-coding transcript variant (1).
Genome position (GRCh38, 1-based): chr9:95,506,450, T duplicated on the plus strand (A on the coding strand, the reverse complement: PTCH1 is on the minus strand); the first of 4 consecutive T bases (chr9:95,506,450-95,506,453); duplicating any one gives the same sequence. VCF-style (leftmost placement, unchanged base first): chr9-95506449-C-CT. GRCh37 (hg19) VCF-style: chr9-98268731-C-CT.
Other names: c.153dup, p.Ala52fs (NM_001083602.3, NM_001354919.2); c.348dup, p.Ala117fs (NM_001083603.3); c.-103dup (NM_001083604.3, NM_001083605.3, NM_001083606.3 and 1 more transcripts); c.351dup, p.Ala118fs (NM_001354918.2); short protein forms A117fs, A118fs, A52fs.
Identifiers: ClinVar variation 1071486 (VCV001071486.7), dbSNP rs2118875429, ClinGen allele CA2499220067.
Genomic context (GRCh38, chr9:95,506,449, plus strand): 5'-CGCGGCGGGCGCTCTTACCTTCCACCCACAGCTCCTCCACGTTGGTCTCGAGGTTCGCTG[C>CT]TTTTAATCCCACCGCGAAGGCCCCAAATATGAGGAGGCCCACAACCAAGAACTTGCCGCA-3'

ClinVar aggregate classification (germline): Pathogenic (1 of 4 stars; one submission).

Conditions:
Gorlin syndrome. Also called: Nevoid Basal Cell Carcinoma Syndrome; Basal cell nevus syndrome. Identifiers: Orphanet 377, MedGen C0004779, MONDO:0007187.

Submission:

Labcorp Genetics (formerly Invitae), Labcorp
Classification: Pathogenic for Gorlin syndrome. Last evaluated: 2020-09-16. Review status: criteria provided, single submitter. Criteria: Invitae Variant Classification Sherloc (09022015). Collection method: clinical testing. Allele origin: germline.
Comment: Loss-of-function variants in PTCH1 are known to be pathogenic (PMID: 16301862, 16419085). This variant has not been reported in the literature in individuals with PTCH1-related conditions. This variant is not present in population databases (ExAC no frequency). This sequence change creates a premature translational stop signal (p.Ala118Serfs*22) in the PTCH1 gene. It is expected to result in an absent or disrupted protein product. For these reasons, this variant has been classified as Pathogenic.

Literature cited by the submitters: PubMed 16301862; PubMed 16419085.